The following is an entry in ClinVar:

ClinVar aggregate classification (germline): Uncertain significance. Review status: criteria provided, multiple submitters, no conflicts (2 of 4 stars). 2 submissions from 2 submitters: Uncertain significance (2). Last evaluated 2025-11-21.

Conditions:
Inborn genetic diseases. Identifiers: MedGen C0950123, MeSH D030342.

Allele frequency attached by ClinVar (database versions not stated): TOPMed below 0.00001; 1000 Genomes Project 0.00020; 1000 Genomes Project 30x 0.00016; ExAC 0.00005.
gnomAD v4.1: 185 of 1,612,156 alleles (0.011%); highest among the groups gnomAD compares: East Asian, 0.4%; no homozygotes.

Submissions (2):

Labcorp Genetics (formerly Invitae), Labcorp
Classification: Uncertain significance. Last evaluated: 2025-11-21. Review status: criteria provided, single submitter. Criteria: Invitae Variant Classification Sherloc (09022015). Collection method: clinical testing. Allele origin: germline.
Comment: This sequence change replaces arginine, which is basic and polar, with isoleucine, which is neutral and non-polar, at codon 406 of the TNNI3K protein (p.Arg406Ile). This variant is present in population databases (rs200432313, gnomAD 0.03%). This variant has not been reported in the literature in individuals affected with TNNI3K-related conditions. ClinVar contains an entry for this variant (Variation ID: 2705178). Invitae Evidence Modeling of protein sequence and biophysical properties (such as structural, functional, and spatial information, amino acid conservation, physicochemical variation, residue mobility, and thermodynamic stability) indicates that this missense variant is not expected to disrupt TNNI3K protein function with a negative predictive value of 80%. In summary, the available evidence is currently insufficient to determine the role of this variant in disease. Therefore, it has been classified as a Variant of Uncertain Significance.

Ambry Genetics
Classification: Uncertain significance for Inborn genetic diseases. Last evaluated: 2023-12-20. Review status: criteria provided, single submitter. Criteria: Ambry Variant Classification Scheme 2023. Collection method: clinical testing. Allele origin: germline.

NM_015978.3(TNNI3K):c.1217G>T (p.Arg406Ile)

Genes: FPGT-TNNI3K (FPGT-TNNI3K readthrough; plus strand), TNNI3K (TNNI3 interacting kinase; plus strand). Cytogenetic location: 1p31.1.
Variant type: single nucleotide variant.
Coding change: c.1217G>T on transcript NM_015978.3 (MANE Select); coding-DNA position 1217, G replaced by T.
Protein change: p.Arg406Ile; replaces arginine 406 with isoleucine.
Molecular consequence: missense variant.
Genome position (GRCh38, 1-based): chr1:74,367,295, G>T. VCF-style: chr1-74367295-G-T. GRCh37 (hg19) VCF-style: chr1-74832979-G-T.
Other names: c.1520G>T, p.Arg507Ile (NM_001112808.3, NM_001199327.2); short protein forms R406I, R507I.
Identifiers: ClinVar variation 2705178 (VCV002705178.4), dbSNP rs200432313, ClinGen allele CA909197.